The following is an entry in ClinVar:

NM_182943.3(PLOD2):c.503-47T>C

Gene: PLOD2 (procollagen-lysine,2-oxoglutarate 5-dioxygenase 2; minus strand). Cytogenetic location: 3q24.
Variant type: single nucleotide variant.
Coding change: c.503-47T>C on transcript NM_182943.3 (MANE Select); 47 bases into the intron before coding-DNA position 503, T replaced by C.
Molecular consequence: intron variant.
Genome position (GRCh38, 1-based): chr3:146,106,691, A>G on the plus strand (T>C on the coding strand, the complement: PLOD2 is on the minus strand). VCF-style: chr3-146106691-A-G. GRCh37 (hg19) VCF-style: chr3-145824478-A-G.
Other names: c.503-47T>C (NM_000935.3).
Identifiers: ClinVar variation 674924 (VCV000674924.4), dbSNP rs9289716, ClinGen allele CA2655225.
Genomic context (GRCh38, chr3:146,106,691, plus strand): 5'-ATAGCCAATAAATCCTGCAACACAGCAGAGAGAAAGTAGATAATTTAGGATTCAAAGACC[A>G]AAACTGGTGTCATGTTAATTTCACTGACCAGTTGAACAGAGTTGTGAAGTCATGAAGCCT-3'

ClinVar aggregate classification (germline): Benign. Review status: criteria provided, multiple submitters, no conflicts (2 of 4 stars). 3 submissions from 3 submitters: Benign (3). Last evaluated 2021-10-25.

Conditions:
Bruck syndrome 2 (BRKS2). Also called: OSTEOGENESIS IMPERFECTA WITH CONGENITAL JOINT CONTRACTURES. Identifiers: Orphanet 2771, MedGen C1836602, MONDO:0012217, OMIM 609220.

Allele frequency attached by ClinVar (database versions not stated): gnomAD exomes 0.46189 and 0.46739; ExAC 0.46628; ESP Exome Variant Server 0.47386; gnomAD 0.47673 and 0.47727; 1000 Genomes Project 0.48103; TOPMed 0.48109; 1000 Genomes Project 30x 0.48485.

Submissions (3):

Genome-Nilou Lab
Classification: Benign for Bruck syndrome 2. Last evaluated: 2021-10-25. Review status: criteria provided, single submitter. Criteria: ACMG Guidelines, 2015. Collection method: clinical testing. Allele origin: germline. Affected: no.

GeneDx
Classification: Benign. Last evaluated: 2018-06-14. Review status: criteria provided, single submitter. Criteria: GeneDx Variant Classification (06012015). Collection method: clinical testing. Allele origin: germline. Affected: yes.
Comment: This variant is considered likely benign or benign based on one or more of the following criteria: it is a conservative change, it occurs at a poorly conserved position in the protein, it is predicted to be benign by multiple in silico algorithms, and/or has population frequency not consistent with disease.

Breakthrough Genomics
Classification: Benign. Review status: criteria provided, single submitter. Criteria: ACMG Guidelines, 2015. Collection method: not provided. Allele origin: germline. Inheritance: Autosomal recessive inheritance. Affected: yes.